The following is an entry in ClinVar:

ClinVar aggregate classification (germline): Uncertain significance. Review status: criteria provided, multiple submitters, no conflicts (2 of 4 stars). 5 submissions from 5 submitters: Uncertain significance (5). Last evaluated 2025-07-08.

Conditions:
Hereditary cancer-predisposing syndrome. Also called: Neoplastic Syndromes, Hereditary; Hereditary Cancer Syndrome; Hereditary neoplastic syndrome; Tumor predisposition. Identifiers: Orphanet 140162, MedGen C0027672, MeSH D009386, MONDO:0015356.
Hereditary nonpolyposis colorectal neoplasms. Identifiers: MedGen C0009405, MeSH D003123.

Submissions (5):

Color Diagnostics, LLC DBA Color Health
Classification: Uncertain significance for Hereditary cancer-predisposing syndrome. Last evaluated: 2025-07-08. Review status: criteria provided, single submitter. Criteria: ACMG Guidelines, 2015. Collection method: clinical testing. Allele origin: germline.
Comment: This missense variant replaces lysine with glutamic acid at codon 646 of the MSH6 protein. Computational prediction suggests that this variant may not impact protein structure and function. To our knowledge, functional studies have not been reported for this variant. This variant has not been reported in individuals affected with MSH6-related disorders in the literature. This variant has not been identified in the general population by the Genome Aggregation Database (gnomAD). The available evidence is insufficient to determine the role of this variant in disease conclusively. Therefore, this variant is classified as a Variant of Uncertain Significance.

Labcorp Genetics (formerly Invitae), Labcorp
Classification: Uncertain significance for Hereditary nonpolyposis colorectal neoplasms. Last evaluated: 2023-10-09. Review status: criteria provided, single submitter. Criteria: Invitae Variant Classification Sherloc (09022015). Collection method: clinical testing. Allele origin: germline.
Comment: This sequence change replaces lysine, which is basic and polar, with glutamic acid, which is acidic and polar, at codon 646 of the MSH6 protein (p.Lys646Glu). This variant is not present in population databases (gnomAD no frequency). This variant has not been reported in the literature in individuals affected with MSH6-related conditions. ClinVar contains an entry for this variant (Variation ID: 1098783). Advanced modeling of protein sequence and biophysical properties (such as structural, functional, and spatial information, amino acid conservation, physicochemical variation, residue mobility, and thermodynamic stability) performed at Invitae indicates that this missense variant is not expected to disrupt MSH6 protein function. In summary, the available evidence is currently insufficient to determine the role of this variant in disease. Therefore, it has been classified as a Variant of Uncertain Significance.

Blueprint Genetics
Classification: Uncertain significance. Last evaluated: 2023-09-29. Review status: criteria provided, single submitter. Criteria: ACMG Guidelines, 2015. Collection method: clinical testing. Allele origin: germline.

Ambry Genetics
Classification: Uncertain significance for Hereditary cancer-predisposing syndrome. Last evaluated: 2023-08-05. Review status: criteria provided, single submitter. Criteria: Ambry Variant Classification Scheme 2023. Collection method: clinical testing. Allele origin: germline.
Comment: The p.K646E variant (also known as c.1936A>G), located in coding exon 4 of the MSH6 gene, results from an A to G substitution at nucleotide position 1936. The lysine at codon 646 is replaced by glutamic acid, an amino acid with similar properties. This amino acid position is conserved. In addition, this alteration is predicted to be tolerated by in silico analysis. Since supporting evidence is limited at this time, the clinical significance of this alteration remains unclear.

Women's Health and Genetics/Laboratory Corporation of America, LabCorp
Classification: Uncertain significance. Last evaluated: 2021-04-25. Review status: criteria provided, single submitter. Criteria: LabCorp Variant Classification Summary - May 2015. Collection method: clinical testing. Allele origin: germline.
Comment: Variant summary: MSH6 c.1936A>G (p.Lys646Glu) results in a conservative amino acid change located in the DNA mismatch repair protein MutS, connector domain (IPR007860) of the encoded protein sequence. Five of five in-silico tools predict a benign effect of the variant on protein function. The variant was absent in 251204 control chromosomes. The available data on variant occurrences in the general population are insufficient to allow any conclusion about variant significance. To our knowledge, no occurrence of c.1936A>G in individuals affected with Lynch Syndrome and no experimental evidence demonstrating its impact on protein function have been reported. No clinical diagnostic laboratories have submitted clinical-significance assessments for this variant to ClinVar after 2014. Based on the evidence outlined above, the variant was classified as uncertain significance.

NM_000179.3(MSH6):c.1936A>G (p.Lys646Glu)

Gene: MSH6 (mutS homolog 6; plus strand). Cytogenetic location: 2p16.3.
Variant type: single nucleotide variant.
Coding change: c.1936A>G on transcript NM_000179.3 (MANE Select); coding-DNA position 1936, A replaced by G.
Protein change: p.Lys646Glu; replaces lysine 646 with glutamic acid.
Molecular consequence: missense variant.
Genome position (GRCh38, 1-based): chr2:47,799,919, A>G. VCF-style: chr2-47799919-A-G. GRCh37 (hg19) VCF-style: chr2-48027058-A-G.
Other names: c.1546A>G, p.Lys516Glu (NM_001281492.2); c.1030A>G, p.Lys344Glu (NM_001281493.2, NM_001281494.2); short protein forms K344E, K516E, K646E.
Identifiers: ClinVar variation 1098783 (VCV001098783.12), dbSNP rs2104377347, ClinGen allele CA346750422.